The following is an entry in ClinVar:

NM_053025.4(MYLK):c.1067C>T (p.Pro356Leu)

Gene: MYLK (myosin light chain kinase; minus strand). Cytogenetic location: 3q21.1.
Variant type: single nucleotide variant.
Coding change: c.1067C>T on transcript NM_053025.4 (MANE Select); coding-DNA position 1067, C replaced by T.
Protein change: p.Pro356Leu; replaces proline 356 with leucine.
Molecular consequence: missense variant.
Genome position (GRCh38, 1-based): chr3:123,733,929, G>A on the plus strand (C>T on the coding strand, the complement: MYLK is on the minus strand). VCF-style: chr3-123733929-G-A. GRCh37 (hg19) VCF-style: chr3-123452776-G-A.
Other names: c.539C>T, p.Pro180Leu (NM_001321309.2); c.1067C>T, p.Pro356Leu (NM_053026.4, NM_053027.4, NM_053028.4); short protein forms P180L, P356L.
Identifiers: ClinVar variation 5025192 (VCV005025192.1).

ClinVar aggregate classification (germline): Uncertain significance (1 of 4 stars; one submission).

Conditions:
Familial thoracic aortic aneurysm and aortic dissection (TAAD). Also called: Thoracic aortic aneurysms and dissections. Identifiers: Orphanet 91387, MedGen C4707243, MONDO:0019625.

Submission:

Ambry Genetics
Classification: Uncertain significance for Familial thoracic aortic aneurysm and aortic dissection. Last evaluated: 2026-06-18. Review status: criteria provided, single submitter. Criteria: Ambry Variant Classification Scheme 2023. Collection method: clinical testing. Allele origin: germline.
Comment: The p.P356L variant (also known as c.1067C>T), located in coding exon 7 of the MYLK gene, results from a C to T substitution at nucleotide position 1067. The proline at codon 356 is replaced by leucine, an amino acid with similar properties. This amino acid position is conserved. In addition, this alteration is predicted to be tolerated by in silico analysis. Based on the available evidence, the clinical significance of this variant remains unclear.